The following is an entry in ClinVar:

NM_004260.4(RECQL4):c.2824T>C (p.Tyr942His)

Gene: RECQL4 (RecQ like helicase 4; minus strand). Cytogenetic location: 8q24.3.
Variant type: single nucleotide variant.
Coding change: c.2824T>C on transcript NM_004260.4 (MANE Select); coding-DNA position 2824, T replaced by C.
Protein change: p.Tyr942His; replaces tyrosine 942 with histidine.
Molecular consequence: missense variant.
Genome position (GRCh38, 1-based): chr8:144,512,703, A>G on the plus strand (T>C on the coding strand, the complement: RECQL4 is on the minus strand). VCF-style: chr8-144512703-A-G. GRCh37 (hg19) VCF-style: chr8-145738086-A-G.
Other names: short protein forms Y942H.
Identifiers: ClinVar variation 955626 (VCV000955626.6), dbSNP rs1827479492, ClinGen allele CA372674219.
Genomic context (GRCh38, chr8:144,512,703, plus strand): 5'-TGTGGGCCAGGGCCTGGAGCTGGGCAGGGCCCCCAGGGCAGTTCAGACGGCAATGGGTAT[A>G]GGTGGTCGCCAGCAGCTCCAGCCAGTGGTGTGGGTGCAGCTCCAGGTAGCACAGCAAAGT-3'
Protein context (NP_004251.4, residues 932-952): HHWLELLATT[Tyr942His]THCRLNCPGG

ClinVar aggregate classification (germline): Uncertain significance (1 of 4 stars; one submission).

Conditions:
Baller-Gerold syndrome (BGS). Also called: CRANIOSYNOSTOSIS WITH RADIAL DEFECTS. Identifiers: Orphanet 1225, MedGen C0265308, MONDO:0009039, OMIM 218600.

gnomAD v4.1: 1 of 1,612,310 alleles (0.000062%); no homozygotes.

Submission:

Labcorp Genetics (formerly Invitae), Labcorp
Classification: Uncertain significance for Baller-Gerold syndrome. Last evaluated: 2024-12-18. Review status: criteria provided, single submitter. Criteria: Invitae Variant Classification Sherloc (09022015). Collection method: clinical testing. Allele origin: germline.
Comment: This sequence change replaces tyrosine, which is neutral and polar, with histidine, which is basic and polar, at codon 942 of the RECQL4 protein (p.Tyr942His). This variant is not present in population databases (gnomAD no frequency). This variant has not been reported in the literature in individuals affected with RECQL4-related conditions. ClinVar contains an entry for this variant (Variation ID: 955626). Invitae Evidence Modeling of protein sequence and biophysical properties (such as structural, functional, and spatial information, amino acid conservation, physicochemical variation, residue mobility, and thermodynamic stability) indicates that this missense variant is not expected to disrupt RECQL4 protein function with a negative predictive value of 80%. In summary, the available evidence is currently insufficient to determine the role of this variant in disease. Therefore, it has been classified as a Variant of Uncertain Significance.